The following is an entry in ClinVar:

NM_004304.5(ALK):c.1591A>G (p.Ser531Gly)

Gene: ALK (ALK receptor tyrosine kinase; minus strand). Cytogenetic location: 2p23.2.
Variant type: single nucleotide variant.
Coding change: c.1591A>G on transcript NM_004304.5 (MANE Select); coding-DNA position 1591, A replaced by G.
Protein change: p.Ser531Gly; replaces serine 531 with glycine.
Molecular consequence: missense variant.
Genome position (GRCh38, 1-based): chr2:29,318,360, T>C on the plus strand (A>G on the coding strand, the complement: ALK is on the minus strand). VCF-style: chr2-29318360-T-C. GRCh37 (hg19) VCF-style: chr2-29541226-T-C.
Other names: short protein forms S531G.
Identifiers: ClinVar variation 861839 (VCV000861839.9), dbSNP rs1666895080, ClinGen allele CA346471161.

ClinVar aggregate classification (germline): Uncertain significance (1 of 4 stars; one submission).

Conditions:
Neuroblastoma, susceptibility to, 3. Also called: ALK-Related Neuroblastic Tumor Susceptibility. Identifiers: Orphanet 635, MedGen C2751681, MONDO:0013083, OMIM 613014.

Submission:

Labcorp Genetics (formerly Invitae), Labcorp
Classification: Uncertain significance for Neuroblastoma, susceptibility to, 3. Last evaluated: 2025-11-17. Review status: criteria provided, single submitter. Criteria: Invitae Variant Classification Sherloc (09022015). Collection method: clinical testing. Allele origin: germline.
Comment: This sequence change replaces serine, which is neutral and polar, with glycine, which is neutral and non-polar, at codon 531 of the ALK protein (p.Ser531Gly). This variant is not present in population databases (gnomAD no frequency). This variant has not been reported in the literature in individuals affected with ALK-related conditions. ClinVar contains an entry for this variant (Variation ID: 861839). An algorithm developed to predict the effect of missense changes on protein structure and function (PolyPhen-2) suggests that this variant is likely to be tolerated. In summary, the available evidence is currently insufficient to determine the role of this variant in disease. Therefore, it has been classified as a Variant of Uncertain Significance.